The following is an entry in ClinVar:

ClinVar aggregate classification (germline): Pathogenic. Review status: criteria provided, multiple submitters, no conflicts (2 of 4 stars). 4 submissions from 4 submitters: Pathogenic (4). Last evaluated 2025-03-26.
ClinVar aggregate classification (somatic clinical impact): Tier I - Strong (1 of 4 stars; one submission).

Conditions:
Neurofibromatosis, type 2 (SWNV). Also called: NF2-Related Schwannomatosis; SCHWANNOMATOSIS, VESTIBULAR; BILATERAL ACOUSTIC NEUROFIBROMATOSIS. Identifiers: Orphanet 637, MedGen C0027832, MONDO:0007039, OMIM 101000. Disease mechanism: loss of function.
NF2-related disorder. Also called: NF2-related condition.
Meningioma. Also called: Meningioma, somatic. Identifiers: Orphanet 2495, MedGen C0025286, MONDO:0016642, HP:0002858.

Submissions (5):

Revvity Omics, Revvity
Classification: Pathogenic for Neurofibromatosis, type 2. Last evaluated: 2025-03-26. Review status: criteria provided, single submitter. Criteria: ACMG Guidelines, 2015. Collection method: clinical testing. Allele origin: germline.

Institute for Genomic Medicine (IGM) Clinical Laboratory, Nationwide Children's Hospital
Classification: Tier I - Strong for Meningioma. Assertion type: diagnostic. Clinical significance: supports diagnosis. Last evaluated: 2023-10-07. Review status: criteria provided, single submitter. Criteria: AMP/ASCO/CAP Guidelines, 2017. Collection method: clinical testing. Allele origin: somatic. Affected: yes.
Comment: Variant has Tier I (strong) clinical significance as a diagnostic inclusion criterion in meningioma, based on the following evidence: 1) Documented in one or more cancer databases (e.g., St. Jude Pecan, COSMIC, CIViC, OncoKB). 2) Appears in one or more well-established professional guidelines (e.g., World Health Organization [WHO]; National Comprehensive Cancer Network [NCCN]) as providing diagnostic, prognostic, or therapeutic information. 3) Diagnostic for a specific tumor type/classification according to professional guidelines (Evidence Level A; PMIDs: 31652973, 33087175).

Genetics and Molecular Pathology, SA Pathology
Classification: Pathogenic for Neurofibromatosis, type 2. Last evaluated: 2022-02-03. Review status: criteria provided, single submitter. Criteria: ACMG Guidelines, 2015. Collection method: clinical testing. Allele origin: germline. Inheritance: Autosomal dominant inheritance. Affected: yes.

Blueprint Genetics
Classification: Pathogenic for NF2-related disorders. Last evaluated: 2021-05-05. Review status: criteria provided, single submitter. Criteria: ACMG Guidelines, 2015. Collection method: clinical testing. Allele origin: germline. Affected: yes. Observed: 1 variant allele.

Labcorp Genetics (formerly Invitae), Labcorp
Classification: Pathogenic for Neurofibromatosis, type 2. Last evaluated: 2019-02-20. Review status: criteria provided, single submitter. Criteria: Invitae Variant Classification Sherloc (09022015). Collection method: clinical testing. Allele origin: germline.
Comment: For these reasons, this variant has been classified as Pathogenic. Loss-of-function variants in NF2 are known to be pathogenic (PMID: 9643284, 16983642). This variant has been observed in several individuals affected with neurofibromatosis type 2 (PMID: 12566519, 24815379, Invitae). This variant is not present in population databases (ExAC no frequency). This sequence change creates a premature translational stop signal (p.Gln65*) in the NF2 gene. It is expected to result in an absent or disrupted protein product.

Literature cited by the submitters: PubMed 31652973 (cited by Institute for Genomic Medicine (IGM) Clinical Laboratory, Nationwide Children's Hospital); PubMed 33087175 (cited by Institute for Genomic Medicine (IGM) Clinical Laboratory, Nationwide Children's Hospital); PubMed 9643284 (cited by Labcorp Genetics (formerly Invitae), Labcorp); PubMed 16983642 (cited by Labcorp Genetics (formerly Invitae), Labcorp); PubMed 12566519 (cited by Labcorp Genetics (formerly Invitae), Labcorp); PubMed 24815379 (cited by Labcorp Genetics (formerly Invitae), Labcorp).

NM_000268.4(NF2):c.193C>T (p.Gln65Ter)

Gene: NF2 (NF2, moesin-ezrin-radixin like (MERLIN) tumor suppressor; plus strand). Cytogenetic location: 22q12.2.
Variant type: single nucleotide variant.
Coding change: c.193C>T on transcript NM_000268.4 (MANE Select); coding-DNA position 193, C replaced by T.
Protein change: p.Gln65Ter; replaces glutamine 65 with a stop codon.
Molecular consequence: nonsense. On other transcripts: non-coding transcript variant (1), intron variant (3).
Genome position (GRCh38, 1-based): chr22:29,636,829, C>T. VCF-style: chr22-29636829-C-T. GRCh37 (hg19) VCF-style: chr22-30032818-C-T.
Other names: c.193C>T, p.Gln65Ter (NM_181833.3, NM_016418.5, NM_181825.3 and 2 more transcripts); c.115-2261C>T (NM_181828.3); c.115-5373C>T (NM_181830.3, NM_181831.3); short protein forms Q65*.
Identifiers: ClinVar variation 864000 (VCV000864000.15), dbSNP rs2065661533, ClinGen allele CA411152577.